The following is an entry in ClinVar:

ClinVar aggregate classification (germline): Uncertain significance (1 of 4 stars; one submission).

Conditions:
Joubert syndrome 25 (JBTS25). Identifiers: Orphanet 475, MedGen C4084842, MONDO:0014770, OMIM 616781.

Allele frequency attached by ClinVar (database versions not stated): ExAC 0.00001; gnomAD 0.00001; gnomAD exomes 0.00001.
gnomAD v4.1: 6 of 1,613,988 alleles (0.00037%); highest among the groups gnomAD compares: East Asian, 0.0045%; no homozygotes.

Submission:

Labcorp Genetics (formerly Invitae), Labcorp
Classification: Uncertain significance for Joubert syndrome 25. Last evaluated: 2024-01-02. Review status: criteria provided, single submitter. Criteria: Invitae Variant Classification Sherloc (09022015). Collection method: clinical testing. Allele origin: germline.
Comment: This sequence change replaces proline, which is neutral and non-polar, with alanine, which is neutral and non-polar, at codon 345 of the CEP104 protein (p.Pro345Ala). This variant is present in population databases (rs745563257, gnomAD 0.003%). This variant has not been reported in the literature in individuals affected with CEP104-related conditions. ClinVar contains an entry for this variant (Variation ID: 2165788). An algorithm developed to predict the effect of missense changes on protein structure and function (PolyPhen-2) suggests that this variant is likely to be tolerated. In summary, the available evidence is currently insufficient to determine the role of this variant in disease. Therefore, it has been classified as a Variant of Uncertain Significance.

NM_014704.4(CEP104):c.1033C>G (p.Pro345Ala)

Gene: CEP104 (centrosomal protein 104; minus strand). Cytogenetic location: 1p36.32.
Variant type: single nucleotide variant.
Coding change: c.1033C>G on transcript NM_014704.4 (MANE Select); coding-DNA position 1033, C replaced by G.
Protein change: p.Pro345Ala; replaces proline 345 with alanine.
Molecular consequence: missense variant.
Genome position (GRCh38, 1-based): chr1:3,837,378, G>C on the plus strand (C>G on the coding strand, the complement: CEP104 is on the minus strand). VCF-style: chr1-3837378-G-C. GRCh37 (hg19) VCF-style: chr1-3753942-G-C.
Other names: short protein forms P345A.
Identifiers: ClinVar variation 2165788 (VCV002165788.4), dbSNP rs745563257, ClinGen allele CA551748.